The following is an entry in ClinVar:

ClinVar aggregate classification (germline): Uncertain significance. Review status: criteria provided, multiple submitters, no conflicts (2 of 4 stars). 3 submissions from 3 submitters: Uncertain significance (3). Last evaluated 2025-09-10.

Conditions:
Developmental delay, impaired growth, dysmorphic facies, and axonal neuropathy. Identifiers: MedGen C5436781, MONDO:0030835, OMIM 619090.
Charcot-Marie-Tooth disease axonal type 2Z. Also called: CHARCOT-MARIE-TOOTH DISEASE, AXONAL, AUTOSOMAL DOMINANT, TYPE 2Z; CHARCOT-MARIE-TOOTH NEUROPATHY, TYPE 2Z. Identifiers: Orphanet 466768, MedGen C5569025, MONDO:0014736, OMIM 616688.
Inborn genetic diseases. Identifiers: MedGen C0950123, MeSH D030342.

Allele frequency attached by ClinVar (database versions not stated): gnomAD exomes 0.00001; ExAC 0.00002.
gnomAD v4.1: 17 of 1,611,094 alleles (0.0011%); highest among the groups gnomAD compares: Non-Finnish European, 0.0013%; no homozygotes.

Submissions (4):

Genomic Medicine Center of Excellence, King Faisal Specialist Hospital and Research Centre
Classification: Uncertain significance for Developmental delay, impaired growth, dysmorphic facies, and axonal neuropathy. Last evaluated: 2025-09-10. Review status: criteria provided, single submitter. Criteria: ACMG Guidelines, 2015. Collection method: clinical testing. Allele origin: germline.

Ambry Genetics
Classification: Uncertain significance for Inborn genetic diseases. Last evaluated: 2023-07-24. Review status: criteria provided, single submitter. Criteria: Ambry Variant Classification Scheme 2023. Collection method: clinical testing. Allele origin: germline.
Comment: Occurs in the last base pair of the exon Based on insufficient or conflicting evidence, the clinical significance of this alteration remains unclear.

Labcorp Genetics (formerly Invitae), Labcorp
Classification: Uncertain significance for Charcot-Marie-Tooth disease axonal type 2Z. Last evaluated: 2023-04-22. Review status: criteria provided, single submitter. Criteria: Invitae Variant Classification Sherloc (09022015). Collection method: clinical testing. Allele origin: germline.
Comment: ClinVar contains an entry for this variant (Variation ID: 642714). Algorithms developed to predict the effect of missense changes on protein structure and function output the following: SIFT: "Not Available"; PolyPhen-2: "Benign"; Align-GVGD: "Not Available". The glutamine amino acid residue is found in multiple mammalian species, which suggests that this missense change does not adversely affect protein function. Variants that disrupt the consensus splice site are a relatively common cause of aberrant splicing (PMID: 17576681, 9536098). Algorithms developed to predict the effect of sequence changes on RNA splicing suggest that this variant may disrupt the consensus splice site. In summary, the available evidence is currently insufficient to determine the role of this variant in disease. Therefore, it has been classified as a Variant of Uncertain Significance. This variant has not been reported in the literature in individuals affected with MORC2-related conditions. This sequence change replaces arginine, which is basic and polar, with glutamine, which is neutral and polar, at codon 535 of the MORC2 protein (p.Arg535Gln). This variant also falls at the last nucleotide of exon 16, which is part of the consensus splice site for this exon. This variant is present in population databases (rs750003469, gnomAD 0.0009%).

Dr. Peter K. Rogan Lab, Western University
No classification provided (evidence only). Condition: Colon adenocarcinoma. Review status: no classification provided. Collection method: in vitro. Allele origin: not applicable. Functional consequence: retained intron. Not counted in ClinVar's aggregate classification.

Literature cited by the submitters: PubMed 17576681 (cited by Labcorp Genetics (formerly Invitae), Labcorp); PubMed 9536098 (cited by Labcorp Genetics (formerly Invitae), Labcorp).

NM_001303256.3(MORC2):c.1604G>A (p.Arg535Gln)

Gene: MORC2 (MORC family CW-type zinc finger 2; minus strand). Cytogenetic location: 22q12.2.
Variant type: single nucleotide variant.
Coding change: c.1604G>A on transcript NM_001303256.3 (MANE Select); coding-DNA position 1604, G replaced by A.
Protein change: p.Arg535Gln; replaces arginine 535 with glutamine.
Molecular consequence: missense variant.
Genome position (GRCh38, 1-based): chr22:30,936,932, C>T on the plus strand (G>A on the coding strand, the complement: MORC2 is on the minus strand). VCF-style: chr22-30936932-C-T. GRCh37 (hg19) VCF-style: chr22-31332919-C-T.
Other names: c.1604G>A, p.Arg535Gln (NM_001303257.2); c.1418G>A, p.Arg473Gln (NM_014941.3); c.1604G>A (NM_001303256.2); short protein forms R473Q, R535Q.
Identifiers: ClinVar variation 642714 (VCV000642714.11), dbSNP rs750003469, ClinGen allele CA10186917.